The following is an entry in ClinVar:

NM_001384125.1(BLTP1):c.5056A>G (p.Ile1686Val)

Gene: BLTP1 (bridge-like lipid transfer protein family member 1; plus strand). Cytogenetic location: 4q27.
Variant type: single nucleotide variant.
Coding change: c.5056A>G on transcript NM_001384125.1 (MANE Select); coding-DNA position 5056, A replaced by G.
Protein change: p.Ile1686Val; replaces isoleucine 1686 with valine.
Molecular consequence: missense variant.
Genome position (GRCh38, 1-based): chr4:122,246,170, A>G. VCF-style: chr4-122246170-A-G. GRCh37 (hg19) VCF-style: chr4-123167325-A-G.
Other names: c.5056A>G, p.Ile1686Val (NM_015312.4); short protein forms I1686V.
Identifiers: ClinVar variation 2578261 (VCV002578261.1), dbSNP rs1332193620, ClinGen allele CA358097445.

ClinVar aggregate classification (germline): Uncertain significance (1 of 4 stars; one submission).

Allele frequency attached by ClinVar (database versions not stated): gnomAD 0.00001; TOPMed 0.00001; gnomAD exomes 0.00005.
gnomAD v4.1: 69 of 1,589,194 alleles (0.0043%); highest among the groups gnomAD compares: Middle Eastern, 0.017%; no homozygotes.

Submission:

GeneDx
Classification: Uncertain significance. Last evaluated: 2023-03-01. Review status: criteria provided, single submitter. Criteria: GeneDx Variant Classification Process June 2021. Collection method: clinical testing. Allele origin: germline. Affected: yes.
Comment: Not observed at significant frequency in large population cohorts (gnomAD); In silico analysis supports that this missense variant does not alter protein structure/function; Has not been previously published as pathogenic or benign to our knowledge